The following is an entry in ClinVar:

ClinVar aggregate classification (germline): Uncertain significance (1 of 4 stars; one submission).

Conditions:
46,XY sex reversal 9 (SRXY9). Also called: 46,XY SEX REVERSAL, ZFPM2-RELATED. Identifiers: Orphanet 251510, MedGen C4015129, MONDO:0014480, OMIM 616067.

Submission:

Labcorp Genetics (formerly Invitae), Labcorp
Classification: Uncertain significance for 46,XY sex reversal 9. Last evaluated: 2025-03-04. Review status: criteria provided, single submitter. Criteria: Invitae Variant Classification Sherloc (09022015). Collection method: clinical testing. Allele origin: germline.
Comment: This sequence change replaces proline, which is neutral and non-polar, with glutamine, which is neutral and polar, at codon 754 of the ZFPM2 protein (p.Pro754Gln). This variant is not present in population databases (gnomAD no frequency). This variant has not been reported in the literature in individuals affected with ZFPM2-related conditions. An algorithm developed to predict the effect of missense changes on protein structure and function outputs the following: PolyPhen-2: "Benign". The glutamine amino acid residue is found in multiple mammalian species, which suggests that this missense change does not adversely affect protein function. In summary, the available evidence is currently insufficient to determine the role of this variant in disease. Therefore, it has been classified as a Variant of Uncertain Significance.

NM_012082.4(ZFPM2):c.2261C>A (p.Pro754Gln)

Genes: ZFPM2 (zinc finger protein, FOG family member 2; plus strand), ZFPM2-AS1 (ZFPM2 antisense RNA 1; minus strand), LOC126860469 (BRD4-independent group 4 enhancer GRCh37_chr8:106814445-106815644; plus strand). Cytogenetic location: 8q23.1.
Variant type: single nucleotide variant.
Coding change: c.2261C>A on transcript NM_012082.4 (MANE Select); coding-DNA position 2261, C replaced by A.
Protein change: p.Pro754Gln; replaces proline 754 with glutamine.
Molecular consequence: missense variant.
Genome position (GRCh38, 1-based): chr8:105,802,343, C>A. VCF-style: chr8-105802343-C-A. GRCh37 (hg19) VCF-style: chr8-106814571-C-A.
Other names: c.2102C>A, p.Pro701Gln (NM_001362836.2); c.1865C>A, p.Pro622Gln (NM_001362837.2); short protein forms P622Q, P701Q, P754Q.
Identifiers: ClinVar variation 3673485 (VCV003673485.2).